The following is an entry in ClinVar:

NM_001042492.3(NF1):c.6914_6915insATTAT (p.Asn2306fs)

Gene: NF1 (neurofibromin 1; plus strand). Cytogenetic location: 17q11.2.
Variant type: Insertion.
Coding change: c.6914_6915insATTAT on transcript NM_001042492.3 (MANE Select); coding-DNA positions 6914 to 6915, ATTAT inserted.
Protein change: p.Asn2306fs; shifts the reading frame from asparagine 2306.
Molecular consequence: frameshift variant.
Genome position: GRCh38 VCF-style: chr17-31338797-C-CTATTA. GRCh37 (hg19) VCF-style: chr17-29665815-C-CTATTA.
Other names: c.6851_6852insATTAT, p.Asn2285Leufs (NM_000267.4); short protein forms N2285fs, N2306fs.
Identifiers: ClinVar variation 1755799 (VCV001755799.2), dbSNP rs2508763235, ClinGen allele CA2580093174.

ClinVar aggregate classification (germline): Pathogenic (1 of 4 stars; one submission).

Conditions:
Cardiovascular phenotype. Identifiers: MedGen CN230736.
Hereditary cancer-predisposing syndrome. Also called: Neoplastic Syndromes, Hereditary; Tumor predisposition; Hereditary Cancer Syndrome; Hereditary neoplastic syndrome. Identifiers: Orphanet 140162, MedGen C0027672, MeSH D009386, MONDO:0015356.

Submission:

Ambry Genetics
Classification: Pathogenic for Cardiovascular phenotype; Hereditary cancer-predisposing syndrome. Last evaluated: 2020-12-30. Review status: criteria provided, single submitter. Criteria: Ambry Variant Classification Scheme 2023. Collection method: clinical testing. Allele origin: germline.
Comment: The c.6851_6852insATTAT pathogenic mutation, located in coding exon 45 of the NF1 gene, results from an insertion of 5 nucleotides at position 6851, causing a translational frameshift with a predicted alternate stop codon (p.N2285Lfs*15). This alteration is expected to result in loss of function by premature protein truncation or nonsense-mediated mRNA decay. As such, this alteration is interpreted as a disease-causing mutation.